The following is an entry in ClinVar:

NC_000002.11:g.(47607109_47612304)_(47613753_?)del

Gene: EPCAM (epithelial cell adhesion molecule; plus strand). Cytogenetic location: 2p21.
Variant type: Deletion.
Identifiers: ClinVar variation 3895800 (VCV003895800.1).

ClinVar aggregate classification (germline): Pathogenic (1 of 4 stars; one submission).

Conditions:
Hereditary nonpolyposis colon cancer (HNPCC). Also called: Hereditary nonpolyposis colorectal cancer; Familial nonpolyposis colon cancer; Hereditary Nonpolyposis Colorectal Cancer Syndrome. Identifiers: Orphanet 443909, MedGen C1333990, MONDO:0018630. Disease mechanism: loss of function.

Submission:

Women's Health and Genetics/Laboratory Corporation of America, LabCorp
Classification: Pathogenic for Hereditary nonpolyposis colon cancer. Last evaluated: 2025-03-06. Review status: criteria provided, single submitter. Criteria: LabCorp Variant Classification Summary - May 2015. Collection method: clinical testing. Allele origin: germline.
Comment: Variant summary: The variant involves the deletion of exons 8-9 in the EPCAM gene. A presumed nomenclature of c.(858+1_859-1)_(*1_?)del has been designated for the purposes of this classification. The exact breakpoint at the distal 3' end of this variant is unknown, therefore this deletion may extend downstream of the annotated region of the gene. As it encompasses the termination codon, it is predicted to escape nonsense mediated decay (NMD). The variant was absent in 21694 control chromosomes. c.(858+1_859-1)_(*1_?)del has been reported in the literature in multiple individuals affected with Hereditary Nonpolyposis Colorectal Cancer (Rumilla_2011). These data indicate that the variant is very likely to be associated with disease. To our knowledge, no experimental evidence demonstrating an impact on protein function has been reported. The following publication have been ascertained in the context of this evaluation (PMID: 21227399). ClinVar contains an entry for this variant (Variation ID: 188070). Based on the evidence outlined above, the variant was classified as pathogenic.

Literature cited by the submitters: PubMed 21227399.